The following is an entry in ClinVar:

NM_006231.4(POLE):c.6650A>G (p.Gln2217Arg)

Gene: POLE (DNA polymerase epsilon, catalytic subunit; minus strand). Cytogenetic location: 12q24.33.
Variant type: single nucleotide variant.
Coding change: c.6650A>G on transcript NM_006231.4 (MANE Select); coding-DNA position 6650, A replaced by G.
Protein change: p.Gln2217Arg; replaces glutamine 2217 with arginine.
Molecular consequence: missense variant.
Genome position (GRCh38, 1-based): chr12:132,625,652, T>C on the plus strand (A>G on the coding strand, the complement: POLE is on the minus strand). VCF-style: chr12-132625652-T-C. GRCh37 (hg19) VCF-style: chr12-133202238-T-C.
Other names: short protein forms Q2217R.
Identifiers: ClinVar variation 847986 (VCV000847986.9), dbSNP rs2041822752, ClinGen allele CA387366420.
Genomic context (GRCh38, chr12:132,625,652, plus strand): 5'-GAAACCCCCCTGTGGACTCCAGGGCACACGGGCAGGCGGCATGCACGACTCACCAGGTCC[T>C]GCAGGGTGAAGGCCATCAGCTTCTTCTGTAGAACTTCCACCAGCGTCATCTCGATGGCAG-3'
Protein context (NP_006222.2, residues 2207-2227): LQKKLMAFTL[Gln2217Arg]DLVCLKCRGV

ClinVar aggregate classification (germline): Uncertain significance (1 of 4 stars; one submission).

Submission:

Labcorp Genetics (formerly Invitae), Labcorp
Classification: Uncertain significance. Last evaluated: 2019-04-09. Review status: criteria provided, single submitter. Criteria: Invitae Variant Classification Sherloc (09022015). Collection method: clinical testing. Allele origin: germline.
Comment: This sequence change replaces glutamine with arginine at codon 2217 of the POLE protein (p.Gln2217Arg). The glutamine residue is highly conserved and there is a small physicochemical difference between glutamine and arginine. This variant is not present in population databases (ExAC no frequency). This variant has not been reported in the literature in individuals with POLE-related conditions. Algorithms developed to predict the effect of missense changes on protein structure and function are either unavailable or do not agree on the potential impact of this missense change (SIFT: "Deleterious"; PolyPhen-2: "Probably Damaging"; Align-GVGD: "Class C0"). In summary, the available evidence is currently insufficient to determine the role of this variant in disease. Therefore, it has been classified as a Variant of Uncertain Significance.